The following is an entry in ClinVar:

NM_025114.4(CEP290):c.1219_1220del (p.Met407fs)

Gene: CEP290 (centrosomal protein 290; minus strand). Cytogenetic location: 12q21.32.
Variant type: Microsatellite.
Coding change: c.1219_1220del on transcript NM_025114.4 (MANE Select); coding-DNA positions 1219 to 1220, 2 bases deleted (AT; older notation c.1219_1220delAT).
Protein change: p.Met407fs; shifts the reading frame from methionine 407.
Molecular consequence: frameshift variant.
Genome position (GRCh38, 1-based): chr12:88,121,136-88,121,137, AT deleted on the plus strand (AT on the coding strand, the reverse complement: CEP290 is on the minus strand); deleting any 2 consecutive bases within chr12:88,121,136-88,121,139 gives the same sequence; the c. name uses the placement nearest the transcript's 3' end. VCF-style (leftmost placement, unchanged base first): chr12-88121135-CAT-C. GRCh37 (hg19) VCF-style: chr12-88514912-CAT-C.
Other names: NM_025114.4(CEP290):c.1219_1220del; p.Met407fs; c.1219_1220delAT (NM_025114.3); short protein forms M407fs.
Identifiers: ClinVar variation 56729 (VCV000056729.37), dbSNP rs386834148, ClinGen allele CA144385.
Genomic context (GRCh38, chr12:88,121,135, plus strand): 5'-AGCTGTTCTCTCAGCCTCTTTAGTTTTCTCTTTTAAAATGTCTAACGTTGACTGAATTTT[CAT>C]ATGAGTCTGTTGAGAAAGGGTTGAAGCACCTACAGAGTAAAAACAAAAATCATGAATTGA-3'

ClinVar aggregate classification (germline): Pathogenic. Review status: reviewed by expert panel (3 of 4 stars). 22 submissions from 22 submitters: Pathogenic (1). 21 of the submissions do not count toward it. Last evaluated 2026-07-20.

Conditions:
CEP290-related ciliopathy. Also called: CEP290 ciliopathy. Identifiers: MedGen CN305601, MONDO:0100451.
CEP290-related disorder. Also called: CEP290-related condition; CEP290-related disorders. Identifiers: MedGen CN239314.
Joubert syndrome. Also called: JOUBERT-BOLTSHAUSER SYNDROME; Familial aplasia of the vermis. Identifiers: Orphanet 475, MedGen C5979921, MONDO:0018772.
Nephronophthisis. Also called: Juvenile Nephronophthisis. Identifiers: Orphanet 655, MedGen C0687120, MONDO:0019005, HP:0000090.
Meckel-Gruber syndrome. Also called: Dysencephalia splachnocystica; GRUBER SYNDROME; DYSENCEPHALIA SPLANCHNOCYSTICA. Identifiers: Orphanet 564, MedGen C0265215, MONDO:0018921.
Meckel syndrome, type 4 (MKS4). Also called: MECKEL-GRUBER SYNDROME, TYPE 4. Identifiers: Orphanet 564, MedGen C1970161, MONDO:0012626, OMIM 611134.
Bardet-Biedl syndrome 14 (BBS14). Identifiers: Orphanet 110, MedGen C2673874, MONDO:0014442, OMIM 615991.
Senior-Loken syndrome 6 (SLSN6). Identifiers: Orphanet 3156, MedGen C1857779, MONDO:0012433, OMIM 610189.
Leber congenital amaurosis 10 (LCA10). Identifiers: Orphanet 65, MedGen C1857821, MONDO:0012723, OMIM 611755.
Joubert syndrome 5 (JBTS5). Identifiers: Orphanet 2318, MedGen C1857780, MONDO:0012432, OMIM 610188.
Retinal dystrophy. Also called: Inherited retinal dystrophy. Identifiers: Orphanet 71862, MedGen C0854723, MeSH D058499, MONDO:0019118, HP:0000556.
Leber congenital amaurosis (LCA). Also called: Leber's amaurosis. Identifiers: Orphanet 65, MedGen C0339527, MeSH D057130, MONDO:0018998.

Submissions 1 to 9 of 22:

ClinGen Leber Congenital Amaurosis/early Onset Retinal Dystrophy Variant Curation Expert Panel, ClinGen
Classification: Pathogenic for CEP290-related ciliopathy. Last evaluated: 2026-07-20. Review status: reviewed by expert panel. Criteria: ClinGen LCAeoRD ACMG Specifications CEP290 V1.0.0. Collection method: curation. Allele origin: germline. Inheritance: Autosomal recessive inheritance.
Comment: NM_025114.4(CEP290):c.1219_1220del (p.Met407GlufsTer14) is a frameshift variant that introduces a premature stop codon into exon 14 of 54 and is predicted to lead to nonsense-mediated decay in a gene in which loss-of-function is an established mechanism of disease (PVS1). This variant is present in gnomAD v.4.1.1 at a total allele frequency of 0.000041, with 67 alleles / 1613046 total alleles, which is lower than the ClinGen LCA/eoRD VCEP PM2_Supporting threshold of <0.0006 (PM2_Supporting). This variant has been reported in at least 1 proband with early-onset severe retinal dystrophy who was compound heterozygous with the NM_025114.4(CEP290):c.2991+1655A>G variant suspected in trans, which was previously classified pathogenic by the ClinGen LCA/eoRD VCEP (0.5 total points, PMID: 17345604, PM3_Supporting). In summary, this variant meets the criteria to be classified as Pathogenic for CEP290-related ciliopathy based on the ACMG/AMP criteria applied, as specified by the ClinGen LCA/eoRD VCEP: PVS1, PM2_Supporting, and PM3_Supporting. (LCA/eoRD VCEP Specifications for CEP290 Version 1.0.0)

Labcorp Genetics (formerly Invitae), Labcorp
Classification: Pathogenic for Joubert syndrome; Meckel-Gruber syndrome; Nephronophthisis. Last evaluated: 2026-02-01. Review status: criteria provided, single submitter. Criteria: Invitae Variant Classification Sherloc (09022015). Collection method: clinical testing. Allele origin: germline. Not counted in ClinVar's aggregate classification.
Comment: This sequence change creates a premature translational stop signal (p.Met407Glufs*14) in the CEP290 gene. It is expected to result in an absent or disrupted protein product. Loss-of-function variants in CEP290 are known to be pathogenic (PMID: 16909394, 17345604, 20690115). This variant is present in population databases (rs386834148, gnomAD 0.03%). This premature translational stop signal has been observed in individual(s) with a spectrum of CEP290-related conditions (PMID: 17345604, 17564974, 26092869). For these reasons, this variant has been classified as Pathogenic.

Natera, Inc.
Classification: Pathogenic for Leber congenital amaurosis. Last evaluated: 2025-11-24. Review status: criteria provided, single submitter. Criteria: Natera Variant Classification Schema (03/2026). Collection method: clinical testing. Allele origin: germline. Not counted in ClinVar's aggregate classification.
Comment: The c.1219_1220delAT variant in CEP290 is a frameshift variant predicted to shift the reading frame beginning at codon 407 and leads to a stop codon 14 codons downstream. This variant is expected to result in nonsense mediated decay, truncation, or a dysfunctional protein product. This variant is rare in the general population with a frequency below the threshold expected for the associated phenotype(s). This variant has been observed in one or more individuals affected with the associated recessive disease, as either homozygous or compound heterozygous with a second variant (PMID: 19466712, 26626312). Given the available evidence, this variant is classified as Pathogenic.

Myriad Genetics, Inc.
Classification: Pathogenic for CEP290-related ciliopathy. Last evaluated: 2025-02-12. Review status: criteria provided, single submitter. Criteria: Myriad Autosomal Dominant, Autosomal Recessive and X-Linked Classification Criteria (2023). Collection method: clinical testing. Allele origin: unknown. Not counted in ClinVar's aggregate classification.
Comment: NM_025114.3(CEP290):c.1219_1220delAT(M407Efs*14) is a frameshift variant classified as pathogenic in the context of CEP290-related disorders. M407Efs*14 has been observed in cases with relevant disease (PMID: 17345604, 32139166). Relevant functional assessments of this variant are not available in the literature. M407Efs*14 has been observed in referenced population frequency databases. In summary, NM_025114.3(CEP290):c.1219_1220delAT(M407Efs*14) is a frameshift variant that has been observed more frequently in cases with the relevant disease than in healthy populations. Please note: this variant was assessed in the context of healthy population screening.

Victorian Clinical Genetics Services, Murdoch Childrens Research Institute
Classification: Pathogenic for CEP290-related ciliopathy. Last evaluated: 2024-10-10. Review status: criteria provided, single submitter. Criteria: ACMG Guidelines, 2015. Collection method: clinical testing. Allele origin: germline. Inheritance: Autosomal recessive inheritance. Affected: yes. Not counted in ClinVar's aggregate classification.
Comment: Based on the classification scheme VCGS_Germline_v1.3.5, this variant is classified as Pathogenic. Following criteria are met: 0102 - Loss of function is a known mechanism of disease in this gene and is associated with Joubert syndrome 5 (MIM#610188), Leber congenital amaurosis 10 (MIM#611755), Meckel syndrome 4 (MIM#611134) and Senior-Loken syndrome 6 (MIM#610189). (I) 0106 - This gene is associated with autosomal recessive disease. (I) 0201 - Variant is predicted to cause nonsense-mediated decay (NMD) and loss of protein (premature termination codon is located at least 54 nucleotides upstream of the final exon-exon junction). (SP) 0251 - This variant is heterozygous. (I) 0251 - This variant is heterozygous. (I) 0304 - Variant is present in gnomAD <0.01 for a recessive condition (67 heterozygotes, 0 homozygotes). (SP) 0701 - Other NMD-predicted variants comparable to the one identified in this case have very strong previous evidence for pathogenicity. A great number of NMD-predicted variants have been reported as pathogenic (ClinVar). (SP) 0801 - This variant has strong previous evidence of pathogenicity in unrelated individuals. This variant has been reported as pathogenic eleven times by clinical laboratories (ClinVar). (SP) 1201 - Heterozygous variant detected in trans with a second pathogenic heterozygous variant (NM_025114.4(CEP290):c.4438-3del) in a recessive disease. (I) Legend: (SP) - Supporting pathogenic, (I) - Information, (SB) - Supporting benign

3billion
Classification: Pathogenic for Joubert syndrome 5. Last evaluated: 2024-06-19. Review status: criteria provided, single submitter. Criteria: ACMG Guidelines, 2015. Collection method: clinical testing. Allele origin: germline. Affected: yes. Not counted in ClinVar's aggregate classification.
Comment: The variant is observed at an extremely low frequency in the gnomAD v4.0.0 dataset (total allele frequency: 0.004%). Predicted Consequence/Location: Frameshift: predicted to result in a loss or disruption of normal protein function through nonsense-mediated decay (NMD) or protein truncation. Multiple pathogenic variants are reported downstream of the variant. The variant has been reported at least twice as pathogenic without evidence for the classification (ClinVar ID: VCV000056729 /PMID: 17345604). Therefore, this variant is classified as Pathogenic according to the recommendation of ACMG/AMP guideline.

Revvity Omics, Revvity
Classification: Pathogenic. Last evaluated: 2024-06-13. Review status: criteria provided, single submitter. Criteria: ACMG Guidelines, 2015. Collection method: clinical testing. Allele origin: germline. Not counted in ClinVar's aggregate classification.

GeneDx
Classification: Pathogenic. Last evaluated: 2024-03-19. Review status: criteria provided, single submitter. Criteria: GeneDx Variant Classification Process June 2021. Collection method: clinical testing. Allele origin: germline. Affected: yes. Not counted in ClinVar's aggregate classification.
Comment: Frameshift variant predicted to result in protein truncation or nonsense mediated decay in a gene for which loss-of-function is a known mechanism of disease; This variant is associated with the following publications: (PMID: 34426522, 28559085, 17564974, 29398085, 31589614, 28127548, 32139166, 21368913, 16909394, 17345604, 19466712, 23847139, 32037395, 26092869, 25377065, 20690115, 32865313, 34196655, 35456422)

Baylor Genetics
Classification: Pathogenic for Bardet-Biedl syndrome 14. Last evaluated: 2024-02-04. Review status: criteria provided, single submitter. Criteria: ACMG Guidelines, 2015. Collection method: clinical testing. Allele origin: unknown. Not counted in ClinVar's aggregate classification.